The following is an entry in ClinVar:

ClinVar aggregate classification (germline): Benign/Likely benign. Review status: criteria provided, multiple submitters, no conflicts (2 of 4 stars). 3 submissions from 3 submitters: Benign (1); Likely benign (2). Last evaluated 2025-05-27.

Conditions:
Hereditary cancer-predisposing syndrome. Also called: Hereditary Cancer Syndrome; Tumor predisposition; Neoplastic Syndromes, Hereditary; Hereditary neoplastic syndrome. Identifiers: Orphanet 140162, MedGen C0027672, MeSH D009386, MONDO:0015356.
Familial adenomatous polyposis 1 (FAP1). Also called: FAMILIAL ADENOMATOUS POLYPOSIS 1, ATTENUATED; POLYPOSIS, ADENOMATOUS INTESTINAL. Identifiers: MedGen C2713442, MONDO:0021056, OMIM 175100. Disease mechanism: loss of function.

Allele frequency attached by ClinVar (database versions not stated): TOPMed below 0.00001; gnomAD 0.00001; gnomAD exomes 0.00001.
gnomAD v4.1: 4 of 1,613,942 alleles (0.00025%); highest among the groups gnomAD compares: African/African-American, 0.0013%; no homozygotes.

Submissions (3):

Labcorp Genetics (formerly Invitae), Labcorp
Classification: Likely benign for Familial adenomatous polyposis 1. Last evaluated: 2025-05-27. Review status: criteria provided, single submitter. Criteria: Invitae Variant Classification Sherloc (09022015). Collection method: clinical testing. Allele origin: germline.

Myriad Genetics, Inc.
Classification: Benign for Familial adenomatous polyposis 1. Last evaluated: 2024-04-02. Review status: criteria provided, single submitter. Criteria: Myriad Autosomal Dominant, Autosomal Recessive and X-Linked Classification Criteria (2023). Collection method: clinical testing. Allele origin: unknown.
Comment: This variant is considered benign. This variant is a silent/synonymous amino acid change and it is not expected to impact splicing.

Ambry Genetics
Classification: Likely benign for Hereditary cancer-predisposing syndrome. Last evaluated: 2019-06-21. Review status: criteria provided, single submitter. Criteria: Ambry Variant Classification Scheme 2023. Collection method: clinical testing. Allele origin: germline.

NM_000038.6(APC):c.5718A>C (p.Ser1906=)

Gene: APC (APC regulator of Wnt signaling pathway; plus strand). Cytogenetic location: 5q22.2.
Variant type: single nucleotide variant.
Coding change: c.5718A>C on transcript NM_000038.6 (MANE Select); coding-DNA position 5718, A replaced by C.
Protein change: p.Ser1906=; no amino-acid change (serine 1906 retained).
Molecular consequence: synonymous variant.
Genome position (GRCh38, 1-based): chr5:112,841,312, A>C. VCF-style: chr5-112841312-A-C. GRCh37 (hg19) VCF-style: chr5-112177009-A-C.
Other names: c.5718A>C, p.Ser1906= (NM_001127510.3, NM_001354895.2); c.5664A>C, p.Ser1888= (NM_001127511.3); c.5772A>C, p.Ser1924= (NM_001354896.2); c.5748A>C, p.Ser1916= (NM_001354897.2); c.5643A>C, p.Ser1881= (NM_001354898.2); c.5634A>C, p.Ser1878= (NM_001354899.2); c.5595A>C, p.Ser1865= (NM_001354900.2); c.5541A>C, p.Ser1847= (NM_001354901.2); and 5 more.
Identifiers: ClinVar variation 703540 (VCV000703540.55), dbSNP rs1060504879, ClinGen allele CA446209390.